The following is an entry in ClinVar:

NM_001366145.2(TRPM3):c.2326C>T (p.Arg776Trp)

Gene: TRPM3 (transient receptor potential cation channel subfamily M member 3; minus strand). Cytogenetic location: 9q21.12.
Variant type: single nucleotide variant.
Coding change: c.2326C>T on transcript NM_001366145.2 (MANE Select); coding-DNA position 2326, C replaced by T.
Protein change: p.Arg776Trp; replaces arginine 776 with tryptophan.
Molecular consequence: missense variant.
Genome position (GRCh38, 1-based): chr9:70,618,899, G>A on the plus strand (C>T on the coding strand, the complement: TRPM3 is on the minus strand). VCF-style: chr9-70618899-G-A. GRCh37 (hg19) VCF-style: chr9-73233815-G-A.
Other names: c.2290C>T, p.Arg764Trp (NM_001007471.4, NM_001366151.2); c.2296C>T, p.Arg766Trp (NM_001366141.2, NM_001366143.2, NM_001366149.2); c.2332C>T, p.Arg778Trp (NM_001366142.2); c.2326C>T, p.Arg776Trp (NM_001366146.2); c.2401C>T, p.Arg801Trp (NM_001366147.2, NM_001366152.2); c.2371C>T, p.Arg791Trp (NM_001366148.2); c.2260C>T, p.Arg754Trp (NM_001366150.2); c.1867C>T, p.Arg623Trp (NM_001366154.2, NM_024971.7); and 5 more; short protein forms R601W, R611W, R613W, R623W, R626W, R636W, R754W, R764W.
Identifiers: ClinVar variation 3385089 (VCV003385089.1).

ClinVar aggregate classification (germline): Uncertain significance (1 of 4 stars; one submission).

gnomAD v4.1: 19 of 1,609,858 alleles (0.0012%); highest among the groups gnomAD compares: East Asian, 0.011%; no homozygotes.

Submission:

Women's Health and Genetics/Laboratory Corporation of America, LabCorp
Classification: Uncertain significance. Last evaluated: 2024-10-25. Review status: criteria provided, single submitter. Criteria: LabCorp Variant Classification Summary - May 2015. Collection method: clinical testing. Allele origin: germline.
Comment: Variant summary: TRPM3 c.1831C>T (p.Arg611Trp) results in a non-conservative amino acid change in the encoded protein sequence. Four of five in-silico tools predict a damaging effect of the variant on protein function. The variant allele was found at a frequency of 2.4e-05 in 247808 control chromosomes. The available data on variant occurrences in the general population are insufficient to allow any conclusion about variant significance. To our knowledge, no occurrence of c.1831C>T in individuals affected with Neurodevelopmental Disorder With Hypotonia, Dysmorphic Facies, And Skeletal Anomalies, With Or Without Seizures and no experimental evidence demonstrating its impact on protein function have been reported. No submitters have cited clinical-significance assessments for this variant to ClinVar. Based on the evidence outlined above, the variant was classified as uncertain significance.